The following is an entry in ClinVar:

NM_001854.4(COL11A1):c.898-263C>T

Gene: COL11A1 (collagen type XI alpha 1 chain; minus strand). Cytogenetic location: 1p21.1.
Variant type: single nucleotide variant.
Coding change: c.898-263C>T on transcript NM_001854.4 (MANE Select); 263 bases into the intron before coding-DNA position 898, C replaced by T.
Molecular consequence: intron variant. On other transcripts: missense variant (1).
Genome position (GRCh38, 1-based): chr1:103,025,876, G>A on the plus strand (C>T on the coding strand, the complement: COL11A1 is on the minus strand). VCF-style: chr1-103025876-G-A. GRCh37 (hg19) VCF-style: chr1-103491432-G-A.
Other names: c.857C>T, p.Pro286Leu (NM_080629.3); c.781-263C>T (NM_001190709.2); c.897+340C>T (NM_080630.4); short protein forms P286L.
Identifiers: ClinVar variation 1212109 (VCV001212109.3), dbSNP rs559331475, ClinGen allele CA975235.

ClinVar aggregate classification (germline): Uncertain significance (1 of 4 stars; one submission).

Allele frequency attached by ClinVar (database versions not stated): gnomAD 0.00001 and 0.00003; TOPMed 0.00001; 1000 Genomes Project 30x 0.00031; 1000 Genomes Project 0.00040.
gnomAD v4.1: 57 of 1,613,034 alleles (0.0035%); highest among the groups gnomAD compares: South Asian, 0.06%; no homozygotes.

Submission:

GeneDx
Classification: Uncertain significance. Last evaluated: 2020-10-06. Review status: criteria provided, single submitter. Criteria: GeneDx Variant Classification Process June 2021. Collection method: clinical testing. Allele origin: germline. Affected: yes.
Comment: Has not been previously published as pathogenic or benign to our knowledge; In silico analysis, which includes splice predictors and evolutionary conservation, supports a deleterious effect; Not located in the triple helical region, where the majority of pathogenic missense variants occur (Stenson et al., 2014)